The following is an entry in ClinVar:

NM_001999.4(FBN2):c.6335A>G (p.Lys2112Arg)

Gene: FBN2 (fibrillin 2; minus strand). Cytogenetic location: 5q23.3.
Variant type: single nucleotide variant.
Coding change: c.6335A>G on transcript NM_001999.4 (MANE Select); coding-DNA position 6335, A replaced by G.
Protein change: p.Lys2112Arg; replaces lysine 2112 with arginine.
Molecular consequence: missense variant.
Genome position (GRCh38, 1-based): chr5:128,290,842, T>C on the plus strand (A>G on the coding strand, the complement: FBN2 is on the minus strand). VCF-style: chr5-128290842-T-C. GRCh37 (hg19) VCF-style: chr5-127626534-T-C.
Other names: short protein forms K2112R.
Identifiers: ClinVar variation 3338771 (VCV003338771.1).

ClinVar aggregate classification (germline): Uncertain significance (1 of 4 stars; one submission).

gnomAD v4.1: 2 of 1,614,110 alleles (0.00012%); highest among the groups gnomAD compares: Middle Eastern, 0.016%; no homozygotes.

Submission:

GeneDx
Classification: Uncertain significance. Last evaluated: 2024-01-19. Review status: criteria provided, single submitter. Criteria: GeneDx Variant Classification Process June 2021. Collection method: clinical testing. Allele origin: germline. Affected: yes.
Comment: Not observed at significant frequency in large population cohorts (gnomAD); In silico analysis supports that this missense variant does not alter protein structure/function; Has not been previously published as pathogenic or benign to our knowledge